The following is an entry in ClinVar:

NM_000094.4(COL7A1):c.596A>G (p.Asn199Ser)

Gene: COL7A1 (collagen type VII alpha 1 chain; minus strand). Cytogenetic location: 3p21.31.
Variant type: single nucleotide variant.
Coding change: c.596A>G on transcript NM_000094.4 (MANE Select); coding-DNA position 596, A replaced by G.
Protein change: p.Asn199Ser; replaces asparagine 199 with serine.
Molecular consequence: missense variant.
Genome position (GRCh38, 1-based): chr3:48,593,188, T>C on the plus strand (A>G on the coding strand, the complement: COL7A1 is on the minus strand). VCF-style: chr3-48593188-T-C. GRCh37 (hg19) VCF-style: chr3-48630621-T-C.
Other names: short protein forms N199S.
Identifiers: ClinVar variation 2862514 (VCV002862514.3), dbSNP rs2531343166, ClinGen allele CA352743456.

ClinVar aggregate classification (germline): Uncertain significance (1 of 4 stars; one submission).

Allele frequency attached by ClinVar (database versions not stated): gnomAD exomes below 0.00001.

Submission:

Labcorp Genetics (formerly Invitae), Labcorp
Classification: Uncertain significance. Last evaluated: 2024-01-06. Review status: criteria provided, single submitter. Criteria: Invitae Variant Classification Sherloc (09022015). Collection method: clinical testing. Allele origin: germline.
Comment: This sequence change replaces asparagine, which is neutral and polar, with serine, which is neutral and polar, at codon 199 of the COL7A1 protein (p.Asn199Ser). This variant is not present in population databases (gnomAD no frequency). This variant has not been reported in the literature in individuals affected with COL7A1-related conditions. Advanced modeling of protein sequence and biophysical properties (such as structural, functional, and spatial information, amino acid conservation, physicochemical variation, residue mobility, and thermodynamic stability) performed at Invitae indicates that this missense variant is not expected to disrupt COL7A1 protein function with a negative predictive value of 95%. In summary, the available evidence is currently insufficient to determine the role of this variant in disease. Therefore, it has been classified as a Variant of Uncertain Significance.